The following is an entry in ClinVar:

NM_001330574.2(ZNF711):c.1636A>G (p.Ser546Gly)

Gene: ZNF711 (zinc finger protein 711; plus strand). Cytogenetic location: Xq21.1.
Variant type: single nucleotide variant.
Coding change: c.1636A>G on transcript NM_001330574.2 (MANE Select); coding-DNA position 1636, A replaced by G.
Protein change: p.Ser546Gly; replaces serine 546 with glycine.
Molecular consequence: missense variant.
Genome position (GRCh38, 1-based): chrX:85,271,040, A>G. VCF-style: chrX-85271040-A-G. GRCh37 (hg19) VCF-style: chrX-84526046-A-G.
Other names: c.1636A>G, p.Ser546Gly (NM_001375431.1, NM_001375432.1, NM_001375433.1); c.1498A>G, p.Ser500Gly (NM_001375434.1, NM_001375435.1, NM_001375436.1 and 2 more transcripts); short protein forms S500G, S546G.
Identifiers: ClinVar variation 1312059 (VCV001312059.2), dbSNP rs2147875568, ClinGen allele CA413774056.

ClinVar aggregate classification (germline): Uncertain significance (1 of 4 stars; one submission).

Submission:

GeneDx
Classification: Uncertain significance. Last evaluated: 2019-09-16. Review status: criteria provided, single submitter. Criteria: GeneDx Variant Classification Process June 2021. Collection method: clinical testing. Allele origin: germline. Affected: yes.
Comment: Not observed in large population cohorts (Lek et al., 2016); In silico analysis, which includes protein predictors and evolutionary conservation, supports a deleterious effect; Has not been previously published as pathogenic or benign to our knowledge